The following is an entry in ClinVar:

NM_206933.4(USH2A):c.12886C>T (p.Gln4296Ter)

Gene: USH2A (usherin; minus strand). Cytogenetic location: 1q41.
Variant type: single nucleotide variant.
Coding change: c.12886C>T on transcript NM_206933.4 (MANE Select); coding-DNA position 12886, C replaced by T.
Protein change: p.Gln4296Ter; replaces glutamine 4296 with a stop codon.
Molecular consequence: nonsense.
Genome position (GRCh38, 1-based): chr1:215,675,025, G>A on the plus strand (C>T on the coding strand, the complement: USH2A is on the minus strand). VCF-style: chr1-215675025-G-A. GRCh37 (hg19) VCF-style: chr1-215848367-G-A.
Other names: short protein forms Q4296*.
Identifiers: ClinVar variation 1076828 (VCV001076828.7), dbSNP rs2102666136, ClinGen allele CA344848473.
Genomic context (GRCh38, chr1:215,675,025, plus strand): 5'-AAGTCACAGGATCAAAGCTAAAAGGATAGAGCATTTCATTCCTTTGAAGCCTATAGGACT[G>A]GATAATACCATTAGACTGTTCTGGTGGGATCCAGGAAATCAGCAGTTTTTGGGGATTCAT-3'

ClinVar aggregate classification (germline): Pathogenic (1 of 4 stars; one submission).

Submission:

Labcorp Genetics (formerly Invitae), Labcorp
Classification: Pathogenic. Last evaluated: 2022-09-27. Review status: criteria provided, single submitter. Criteria: Invitae Variant Classification Sherloc (09022015). Collection method: clinical testing. Allele origin: germline.
Comment: This sequence change creates a premature translational stop signal (p.Gln4296*) in the USH2A gene. It is expected to result in an absent or disrupted protein product. Loss-of-function variants in USH2A are known to be pathogenic (PMID: 10729113, 10909849, 20507924, 25649381). For these reasons, this variant has been classified as Pathogenic. This variant is not present in population databases (gnomAD no frequency). This variant has not been reported in the literature in individuals affected with USH2A-related conditions. ClinVar contains an entry for this variant (Variation ID: 1076828).

Literature cited by the submitters: PubMed 10729113; PubMed 10909849; PubMed 20507924; PubMed 25649381.